The following is an entry in ClinVar:

ClinVar aggregate classification (germline): Uncertain significance. Review status: criteria provided, multiple submitters, no conflicts (2 of 4 stars). 2 submissions from 2 submitters: Uncertain significance (2). Last evaluated 2026-08-24.

Conditions:
CHD5-related disorder. Also called: CHD5-related condition.
Inborn genetic diseases. Identifiers: MedGen C0950123, MeSH D030342.

gnomAD v4.1: 3 of 1,614,114 alleles (0.00019%); highest among the groups gnomAD compares: African/African-American, 0.0013%; no homozygotes.

Submissions (2):

PreventionGenetics, part of Exact Sciences
Classification: Uncertain significance for CHD5-related condition. Last evaluated: 2026-08-24. Review status: criteria provided, single submitter. Criteria: ACMG Guidelines, 2015. Collection method: clinical testing. Allele origin: germline.
Comment: The CHD5 c.1848C>A variant is predicted to result in the amino acid substitution p.Asp616Glu. To our knowledge, this variant has not been reported in the literature or in a large population database (gnomAD), indicating this variant is rare. At this time, the clinical significance of this variant is uncertain due to the absence of conclusive functional and genetic evidence.

Ambry Genetics
Classification: Uncertain significance for Inborn genetic diseases. Last evaluated: 2025-11-07. Review status: criteria provided, single submitter. Criteria: Ambry Variant Classification Scheme 2023. Collection method: clinical testing. Allele origin: germline.

NM_015557.3(CHD5):c.1848C>A (p.Asp616Glu)

Gene: CHD5 (chromodomain helicase DNA binding protein 5; minus strand). Cytogenetic location: 1p36.31.
Variant type: single nucleotide variant.
Coding change: c.1848C>A on transcript NM_015557.3 (MANE Select); coding-DNA position 1848, C replaced by A.
Protein change: p.Asp616Glu; replaces aspartic acid 616 with glutamic acid.
Molecular consequence: missense variant.
Genome position (GRCh38, 1-based): chr1:6,144,110, G>T on the plus strand (C>A on the coding strand, the complement: CHD5 is on the minus strand). VCF-style: chr1-6144110-G-T. GRCh37 (hg19) VCF-style: chr1-6204170-G-T.
Other names: short protein forms D616E.
Identifiers: ClinVar variation 4614688 (VCV004614688.2).